The following is an entry in ClinVar:

ClinVar aggregate classification (germline): Conflicting classifications of pathogenicity. Review status: criteria provided, conflicting classifications (1 of 4 stars). 3 submissions from 3 submitters: Uncertain significance (1); Benign (1). 1 of the submissions does not count toward it. Last evaluated 2026-02-01.

Conditions:
Kabuki syndrome. Also called: NIIKAWA-KUROKI SYNDROME; Kabuki make-up syndrome. Identifiers: Orphanet 2322, MedGen C0796004, MONDO:0016512.
KMT2D-related disorder. Also called: KMT2D-Related Disorders.

Allele frequency attached by ClinVar (database versions not stated): gnomAD exomes 0.00003 and 0.00002; gnomAD 0.00004 and 0.00003; TOPMed 0.00003; ExAC 0.00004.
gnomAD v4.1: 39 of 1,609,190 alleles (0.0024%); highest among the groups gnomAD compares: South Asian, 0.0055%; no homozygotes.

Submissions (3):

Labcorp Genetics (formerly Invitae), Labcorp
Classification: Benign for Kabuki syndrome. Last evaluated: 2026-02-01. Review status: criteria provided, single submitter. Criteria: Invitae Variant Classification Sherloc (09022015). Collection method: clinical testing. Allele origin: germline.

Genetic Services Laboratory, University of Chicago
Classification: Uncertain significance. Last evaluated: 2021-07-26. Review status: criteria provided, single submitter. Criteria: ACMG Guidelines, 2015. Collection method: clinical testing. Allele origin: germline. Affected: no.
Comment: DNA sequence analysis of the KMT2D gene demonstrated a sequence change, c.7498G>A, in exon 31 that results in an amino acid change, p.Ala2500Thr. This sequence change has been described in the gnomAD database with a frequency of 0.01% in the South Asian subpopulation (dbSNP rs746638965). The p.Ala2500Thr change affects a poorly conserved amino acid residue located in a domain of the KMT2D protein that is not known to be functional. The p.Ala2500Thr substitution appears to be benign using several in-silico pathogenicity prediction tools (SIFT, PolyPhen2, Align GVGD, REVEL). This sequence change does not appear to have been previously described in individuals with KMT2D-related disorders. Due to insufficient evidences and the lack of functional studies, the clinical significance of the p.Ala2500Thr change remains unknown at this time

PreventionGenetics, part of Exact Sciences
Classification: Likely benign for KMT2D-related condition. Last evaluated: 2021-09-08. Review status: no assertion criteria provided. Collection method: clinical testing. Allele origin: germline. Not counted in ClinVar's aggregate classification.
Comment: This variant is classified as likely benign based on ACMG/AMP sequence variant interpretation guidelines (Richards et al. 2015 PMID: 25741868, with internal and published modifications).

NM_003482.4(KMT2D):c.7498G>A (p.Ala2500Thr)

Gene: KMT2D (lysine methyltransferase 2D; minus strand). Cytogenetic location: 12q13.12.
Variant type: single nucleotide variant.
Coding change: c.7498G>A on transcript NM_003482.4 (MANE Select); coding-DNA position 7498, G replaced by A.
Protein change: p.Ala2500Thr; replaces alanine 2500 with threonine.
Molecular consequence: missense variant.
Genome position (GRCh38, 1-based): chr12:49,040,272, C>T on the plus strand (G>A on the coding strand, the complement: KMT2D is on the minus strand). VCF-style: chr12-49040272-C-T. GRCh37 (hg19) VCF-style: chr12-49434055-C-T.
Other names: short protein forms A2500T.
Identifiers: ClinVar variation 1338031 (VCV001338031.13), dbSNP rs746638965, ClinGen allele CA6547054.